The following is an entry in ClinVar:

ClinVar aggregate classification (germline): Uncertain significance (1 of 4 stars; one submission).

Conditions:
Oligodontia-cancer predisposition syndrome. Also called: TOOTH AGENESIS-COLORECTAL CANCER SYNDROME. Identifiers: Orphanet 300576, MedGen C1837750, MONDO:0012075, OMIM 608615. Disease mechanism: loss of function.

Submission:

Labcorp Genetics (formerly Invitae), Labcorp
Classification: Uncertain significance for Oligodontia-cancer predisposition syndrome. Last evaluated: 2024-01-30. Review status: criteria provided, single submitter. Criteria: Invitae Variant Classification Sherloc (09022015). Collection method: clinical testing. Allele origin: germline.
Comment: This sequence change replaces aspartic acid, which is acidic and polar, with glutamic acid, which is acidic and polar, at codon 618 of the AXIN2 protein (p.Asp618Glu). This variant is not present in population databases (gnomAD no frequency). This variant has not been reported in the literature in individuals affected with AXIN2-related conditions. Advanced modeling of protein sequence and biophysical properties (such as structural, functional, and spatial information, amino acid conservation, physicochemical variation, residue mobility, and thermodynamic stability) performed at Invitae indicates that this missense variant is not expected to disrupt AXIN2 protein function with a negative predictive value of 80%. In summary, the available evidence is currently insufficient to determine the role of this variant in disease. Therefore, it has been classified as a Variant of Uncertain Significance.

NM_004655.4(AXIN2):c.1854T>A (p.Asp618Glu)

Gene: AXIN2 (axin 2; minus strand). Cytogenetic location: 17q24.1.
Variant type: single nucleotide variant.
Coding change: c.1854T>A on transcript NM_004655.4 (MANE Select); coding-DNA position 1854, T replaced by A.
Protein change: p.Asp618Glu; replaces aspartic acid 618 with glutamic acid.
Molecular consequence: missense variant. On other transcripts: intron variant (1).
Genome position (GRCh38, 1-based): chr17:65,536,922, A>T on the plus strand (T>A on the coding strand, the complement: AXIN2 is on the minus strand). VCF-style: chr17-65536922-A-T. GRCh37 (hg19) VCF-style: chr17-63533040-A-T.
Other names: c.1713-369T>A (NM_001363813.1); short protein forms D618E.
Identifiers: ClinVar variation 2824007 (VCV002824007.3), dbSNP rs2043932476, ClinGen allele CA400676489.